The following is an entry in ClinVar:

ClinVar aggregate classification (germline): Conflicting classifications of pathogenicity. Review status: criteria provided, conflicting classifications (1 of 4 stars). 7 submissions from 7 submitters: Uncertain significance (6); Likely benign (1). Last evaluated 2026-07-11.

Conditions:
TTN-related disorder. Also called: TTN-related condition; TTN-related disease; TTN-related disorders.
Autosomal recessive limb-girdle muscular dystrophy type 2J (LGMDR10). Also called: Limb-girdle muscular dystrophy, type 2J; MUSCULAR DYSTROPHY, LIMB-GIRDLE, AUTOSOMAL RECESSIVE 10. Identifiers: Orphanet 140922, MedGen C1837342, MONDO:0012127, OMIM 608807.
Dilated cardiomyopathy 1G (CMD1G). Identifiers: Orphanet 154, MedGen C1858763, MONDO:0011400, OMIM 604145.
Hypertrophic cardiomyopathy 9. Also called: Familial hypertrophic cardiomyopathy 9. Identifiers: MedGen C1861065, MONDO:0013412, OMIM 613765.

Allele frequency attached by ClinVar (database versions not stated): ExAC 0.00001; gnomAD exomes 0.00001; TOPMed 0.00002; gnomAD 0.00004.
gnomAD v4.1: 13 of 1,612,744 alleles (0.00081%); highest among the groups gnomAD compares: Admixed American, 0.01%; no homozygotes.

Submissions (7):

PreventionGenetics, part of Exact Sciences
Classification: Uncertain significance for TTN-related condition. Last evaluated: 2026-07-11. Review status: criteria provided, single submitter. Criteria: ACMG Guidelines, 2015. Collection method: clinical testing. Allele origin: germline.
Comment: The TTN c.54091A>G variant is predicted to result in the amino acid substitution p.Ser18031Gly. This variant was reported in an individual with dilated cardiomyopathy (described as p.Ser15463Gly in Table S1, Pugh et al. 2014. PubMed ID: 24503780). This variant is reported in 0.0065% of alleles in individuals of African descent in gnomAD. At this time, the clinical significance of this variant is uncertain due to the absence of conclusive functional and genetic evidence.

Blueprint Genetics
Classification: Likely benign. Last evaluated: 2024-11-21. Review status: criteria provided, single submitter. Criteria: ACMG Guidelines, 2015. Collection method: clinical testing. Allele origin: germline.

Clinical Genomics Laboratory, Washington University in St. Louis
Classification: Uncertain significance for Hypertrophic cardiomyopathy 9. Last evaluated: 2024-10-17. Review status: criteria provided, single submitter. Criteria: ACMG Guidelines, 2015. Collection method: clinical testing. Allele origin: germline.
Comment: The TTN c.54091A>G (p.Ser18031Gly) variant, to our knowledge, has not been reported in the medical literature. The highest population minor allele frequency in the population database genome aggregation database (v.2.1.1) is 0.02% in the other populations. This variant was reported in the ClinVar database as a variant of uncertain significance by four submitters (ClinVar ID: 47080). Computational predictors indicate this variant has no impact on TTN function. Due to limited information and based on ACMG/AMP guidelines for variant interpretation (Richards S et al., PMID: 25741868), the clinical significance of this variant is uncertain at this time.

GeneDx
Classification: Uncertain significance. Last evaluated: 2019-11-14. Review status: criteria provided, single submitter. Criteria: GeneDx Variant Classification Process June 2021. Collection method: clinical testing. Allele origin: germline. Affected: yes.
Comment: Not observed at a significant frequency in large population cohorts (Lek et al., 2016); Missense variant in a gene in which most reported pathogenic variants are truncating/loss-of-function; This variant is associated with the following publications: (PMID: 24503780)

Revvity Omics, Revvity
Classification: Uncertain significance. Last evaluated: 2019-05-15. Review status: criteria provided, single submitter. Criteria: ACMG Guidelines, 2015. Collection method: clinical testing. Allele origin: germline.

Labcorp Genetics (formerly Invitae), Labcorp
Classification: Uncertain significance for Dilated cardiomyopathy 1G; Autosomal recessive limb-girdle muscular dystrophy type 2J. Last evaluated: 2016-11-18. Review status: criteria provided, single submitter. Criteria: Invitae Variant Classification Sherloc (09022015). Collection method: clinical testing. Allele origin: germline.

Laboratory for Molecular Medicine, Mass General Brigham Personalized Medicine
Classification: Uncertain significance. Last evaluated: 2015-07-06. Review status: criteria provided, single submitter. Criteria: LMM Criteria. Collection method: clinical testing. Allele origin: germline. Observed: 2 variant alleles.
Comment: It has also been identified in 1/712 chromosomes of unspecified ancestry by the Exome Aggregation Consortium (ExAC; dbSNP rs397 517615). Computational prediction tools and conservation analysis do not provide strong support for or against an impact to the protein. In summary, the clinica l significance of the p.Ser15463Gly variant is uncertain.

NM_001267550.2(TTN):c.54091A>G (p.Ser18031Gly)

Genes: TTN (titin; minus strand), TTN-AS1 (TTN antisense RNA 1; plus strand). Cytogenetic location: 2q31.2.
Variant type: single nucleotide variant.
Coding change: c.54091A>G on transcript NM_001267550.2 (MANE Select); coding-DNA position 54091, A replaced by G.
Protein change: p.Ser18031Gly; replaces serine 18031 with glycine.
Molecular consequence: missense variant. On other transcripts: non-coding transcript variant (1).
Genome position (GRCh38, 1-based): chr2:178,605,086, T>C on the plus strand (A>G on the coding strand, the complement: TTN is on the minus strand). VCF-style: chr2-178605086-T-C. GRCh37 (hg19) VCF-style: chr2-179469813-T-C.
Other names: c.49168A>G, p.Ser16390Gly (NM_001256850.1); c.26896A>G, p.Ser8966Gly (NM_003319.4); c.27271A>G, p.Ser9091Gly (NM_133432.3); c.27472A>G, p.Ser9158Gly (NM_133437.4); c.46387A>G, p.Ser15463Gly (NM_133378.4); short protein forms S18031G, S15463G, S16390G, S9091G, S9158G, S8966G.
Identifiers: ClinVar variation 47080 (VCV000047080.16), dbSNP rs397517615, ClinGen allele CA139942.